The following is an entry in ClinVar:

ClinVar aggregate classification (germline): Uncertain significance (1 of 4 stars; one submission).

Submission:

Ambry Genetics
Classification: Uncertain significance. Last evaluated: 2024-07-15. Review status: criteria provided, single submitter. Criteria: Ambry Variant Classification Scheme 2023. Collection method: clinical testing. Allele origin: germline.
Comment: The p.P2020S variant (also known as c.6058C>T), located in coding exon 10 of the ALPK2 gene, results from a C to T substitution at nucleotide position 6058. The proline at codon 2020 is replaced by serine, an amino acid with similar properties. This amino acid position is conserved. In addition, this alteration is predicted to be tolerated by in silico analysis. Based on the available evidence, the clinical significance of this variant remains unclear.

NM_052947.4(ALPK2):c.6058C>T (p.Pro2020Ser)

Gene: ALPK2 (alpha kinase 2; minus strand). Cytogenetic location: 18q21.31.
Variant type: single nucleotide variant.
Coding change: c.6058C>T on transcript NM_052947.4 (MANE Select); coding-DNA position 6058, C replaced by T.
Protein change: p.Pro2020Ser; replaces proline 2020 with serine.
Molecular consequence: missense variant.
Genome position (GRCh38, 1-based): chr18:58,504,120, G>A on the plus strand (C>T on the coding strand, the complement: ALPK2 is on the minus strand). VCF-style: chr18-58504120-G-A. GRCh37 (hg19) VCF-style: chr18-56171352-G-A.
Other names: short protein forms P2020S.
Identifiers: ClinVar variation 3530790 (VCV003530790.1).